The following is an entry in ClinVar:

ClinVar aggregate classification (germline): Pathogenic (1 of 4 stars; one submission).

Conditions:
Primary ciliary dyskinesia. Also called: Ciliary dyskinesia. Identifiers: Orphanet 244, MedGen C0008780, MONDO:0016575, HP:0012265.

Submission:

Labcorp Genetics (formerly Invitae), Labcorp
Classification: Pathogenic for Primary ciliary dyskinesia. Last evaluated: 2019-08-21. Review status: criteria provided, single submitter. Criteria: Invitae Variant Classification Sherloc (09022015). Collection method: clinical testing. Allele origin: unknown.
Comment: For these reasons, this variant has been classified as Pathogenic. Loss-of-function variants in DNAH5 are known to be pathogenic (PMID: 11788826, 16627867). This variant has been observed in individual(s) with primary ciliary dyskinesia (Invitae). In at least one individual the data is consistent with the variant being in trans (on the opposite chromosome) from a pathogenic variant. This variant is a deletion of the genomic region encompassing exons 23-27 and part of exon 28 (c.3396+1997_4506del) of the DNAH5 gene. It is expected to disrupt RNA splicing and likely results in an absent or disrupted protein product.

Literature cited by the submitters: PubMed 11788826; PubMed 16627867.

NC_000005.9:g.(?_13864596)_(13874796_?)del

Gene: DNAH5 (dynein axonemal heavy chain 5; minus strand). Cytogenetic location: 5p15.2.
Variant type: Deletion.
Identifiers: ClinVar variation 3246269 (VCV003246269.1).